The following is an entry in ClinVar:

NM_000465.4(BARD1):c.216-6T>A

Gene: BARD1 (BRCA1 associated RING domain 1; minus strand). Cytogenetic location: 2q35.
Variant type: single nucleotide variant.
Coding change: c.216-6T>A on transcript NM_000465.4 (MANE Select); 6 bases into the intron before coding-DNA position 216, T replaced by A.
Molecular consequence: intron variant.
Genome position (GRCh38, 1-based): chr2:214,792,451, A>T on the plus strand (T>A on the coding strand, the complement: BARD1 is on the minus strand). VCF-style: chr2-214792451-A-T. GRCh37 (hg19) VCF-style: chr2-215657175-A-T.
Other names: c.158+16961T>A (NM_001282548.2); c.159-6T>A (NM_001282543.2); c.215+4610T>A (NM_001282545.2); c.216-6T>A (NM_001282549.2).
Identifiers: ClinVar variation 854642 (VCV000854642.13), dbSNP rs1695570324, ClinGen allele CA916082288.
Genomic context (GRCh38, chr2:214,792,451, plus strand): 5'-GGCCGGGGTGTAACACACTGGACATCCAGTTCCAATGCAGTCACTTACACAATTACTTTA[A>T]AATAATTAAAAAAAAAAAAAAAAGCAACCCATTCAGCAGAATTTAATTCCAAAAACTAAA-3'

ClinVar aggregate classification (germline): Conflicting classifications of pathogenicity. Review status: criteria provided, conflicting classifications (1 of 4 stars). 2 submissions from 2 submitters: Uncertain significance (1); Likely benign (1). Last evaluated 2024-02-20.

Conditions:
Hereditary cancer-predisposing syndrome. Also called: Neoplastic Syndromes, Hereditary; Hereditary Cancer Syndrome; Tumor predisposition; Hereditary neoplastic syndrome. Identifiers: Orphanet 140162, MedGen C0027672, MeSH D009386, MONDO:0015356.
Familial cancer of breast. Also called: Hereditary breast cancer; hereditary breast carcinoma; BREAST CANCER, FAMILIAL. Identifiers: Orphanet 227535, MedGen C0346153, MONDO:0016419, OMIM 114480. Disease mechanism: loss of function.

Submissions (2):

Labcorp Genetics (formerly Invitae), Labcorp
Classification: Likely benign for Familial cancer of breast. Last evaluated: 2024-02-20. Review status: criteria provided, single submitter. Criteria: Invitae Variant Classification Sherloc (09022015). Collection method: clinical testing. Allele origin: germline.

Color Diagnostics, LLC DBA Color Health
Classification: Uncertain significance for Hereditary cancer-predisposing syndrome. Last evaluated: 2020-05-26. Review status: criteria provided, single submitter. Criteria: ACMG Guidelines, 2015. Collection method: clinical testing. Allele origin: germline.
Comment: This variant causes a T to A nucleotide substitution at the -6 position of intron 2 of the BARD1 gene. To our knowledge, functional studies have not been reported for this variant. This variant has not been reported in individuals affected with hereditary cancer in the literature. This variant has not been identified in the general population by the Genome Aggregation Database (gnomAD). The available evidence is insufficient to determine the role of this variant in disease conclusively. Therefore, this variant is classified as a Variant of Uncertain Significance.